The following is an entry in ClinVar:

ClinVar aggregate classification (germline): Uncertain significance (1 of 4 stars; one submission).

gnomAD v4.1: 10 of 1,613,922 alleles (0.00062%); highest among the groups gnomAD compares: Non-Finnish European, 0.00085%; no homozygotes.

Submission:

Labcorp Genetics (formerly Invitae), Labcorp
Classification: Uncertain significance. Last evaluated: 2025-09-01. Review status: criteria provided, single submitter. Criteria: Invitae Variant Classification Sherloc (09022015). Collection method: clinical testing. Allele origin: germline.
Comment: This sequence change replaces histidine, which is basic and polar, with tyrosine, which is neutral and polar, at codon 1154 of the ADGRA3 protein (p.His1154Tyr). This variant is not present in population databases (gnomAD no frequency). This variant has not been reported in the literature in individuals affected with ADGRA3-related conditions. ClinVar contains an entry for this variant (Variation ID: 3629410). An algorithm developed to predict the effect of missense changes on protein structure and function (PolyPhen-2) suggests that this variant is likely to be disruptive. In summary, the available evidence is currently insufficient to determine the role of this variant in disease. Therefore, it has been classified as a Variant of Uncertain Significance.

NM_145290.4(ADGRA3):c.3460C>T (p.His1154Tyr)

Gene: ADGRA3 (adhesion G protein-coupled receptor A3; minus strand). Cytogenetic location: 4p15.2.
Variant type: single nucleotide variant.
Coding change: c.3460C>T on transcript NM_145290.4 (MANE Select); coding-DNA position 3460, C replaced by T.
Protein change: p.His1154Tyr; replaces histidine 1154 with tyrosine.
Molecular consequence: missense variant.
Genome position (GRCh38, 1-based): chr4:22,388,211, G>A on the plus strand (C>T on the coding strand, the complement: ADGRA3 is on the minus strand). VCF-style: chr4-22388211-G-A. GRCh37 (hg19) VCF-style: chr4-22389834-G-A.
Other names: short protein forms H1154Y.
Identifiers: ClinVar variation 3629410 (VCV003629410.2).